The following is an entry in ClinVar:

NM_001032386.2(SUOX):c.1200C>G (p.Tyr400Ter)

Gene: SUOX (sulfite oxidase; plus strand). Cytogenetic location: 12q13.2.
Variant type: single nucleotide variant.
Coding change: c.1200C>G on transcript NM_001032386.2 (MANE Select); coding-DNA position 1200, C replaced by G.
Protein change: p.Tyr400Ter; replaces tyrosine 400 with a stop codon.
Molecular consequence: nonsense.
Genome position (GRCh38, 1-based): chr12:56,004,589, C>G. VCF-style: chr12-56004589-C-G. GRCh37 (hg19) VCF-style: chr12-56398373-C-G.
Other names: c.1120C>G; c.1400C>G; c.1200C>G, p.Tyr400Ter (NM_000456.3, NM_001032387.2); short protein forms Y400*.
Identifiers: ClinVar variation 619593 (VCV000619593.15), dbSNP rs747461754, ClinGen allele CA6621129.

ClinVar aggregate classification (germline): Pathogenic. Review status: criteria provided, multiple submitters, no conflicts (2 of 4 stars). 4 submissions from 4 submitters: Pathogenic (3). 1 of the submissions does not count toward it. Last evaluated 2025-08-30.

Conditions:
SUOX-related disorder. Also called: SUOX-related condition.
Sulfite oxidase deficiency. Also called: Isolated sulfite oxidase deficiency. Identifiers: Orphanet 833, Orphanet 99731, MedGen C0268624, MONDO:0010089, OMIM 272300, HP:0003643.

Allele frequency attached by ClinVar (database versions not stated): gnomAD 0.00002 and 0.00003; gnomAD exomes 0.00006 and 0.00001; ExAC 0.00006; TOPMed 0.00003.
gnomAD v4.1: 22 of 1,614,066 alleles (0.0014%); highest among the groups gnomAD compares: East Asian, 0.047%; no homozygotes.

Submissions (4):

Labcorp Genetics (formerly Invitae), Labcorp
Classification: Pathogenic for Sulfite oxidase deficiency. Last evaluated: 2025-08-30. Review status: criteria provided, single submitter. Criteria: Invitae Variant Classification Sherloc (09022015). Collection method: clinical testing. Allele origin: germline.
Comment: This sequence change creates a premature translational stop signal (p.Tyr400*) in the SUOX gene. While this is not anticipated to result in nonsense mediated decay, it is expected to disrupt the last 146 amino acid(s) of the SUOX protein. This variant is present in population databases (rs747461754, gnomAD 0.08%). This premature translational stop signal has been observed in individual(s) with sulfite oxidase deficiency (PMID: 12112661, 23994568). This variant is also known as p.Tyr343*. ClinVar contains an entry for this variant (Variation ID: 619593). This variant disrupts a region of the SUOX protein in which other variant(s) (p.Val438Aspfs*5) have been determined to be pathogenic (PMID: 16140720; internal data). This suggests that this is a clinically significant region of the protein, and that variants that disrupt it are likely to be disease-causing. For these reasons, this variant has been classified as Pathogenic.

Blueprint Genetics
Classification: Pathogenic for SUOX-related disorders. Last evaluated: 2019-04-30. Review status: criteria provided, single submitter. Criteria: ACMG Guidelines, 2015. Collection method: clinical testing. Allele origin: germline. Affected: yes. Observed: 2 variant alleles.

Juno Genomics, Hangzhou Juno Genomics, Inc
Classification: Pathogenic for Sulfite oxidase deficiency. Review status: criteria provided, single submitter. Criteria: ACMG Guidelines, 2015. Collection method: clinical testing. Allele origin: germline.
Comment: Absent from controls (or at extremely low frequency if recessive) in Genome Aggregation Database.;Null variant in a gene where loss of function (LOF) is a known mechanism of disease.;For recessive disorders, detected in trans with a pathogenic variant.;Patient's phenotype or family history is highly specific for a disease with a single genetic etiology.

GeneReviews
No classification provided. Condition: Sulfite oxidase deficiency. Review status: no classification provided. Collection method: literature only. Allele origin: germline. Not counted in ClinVar's aggregate classification.
Comment: NCBI staff reviewed the sequence information reported in PubMed 23994568 to determine the location of this allele on current reference sequence.

Literature cited by the submitters: PubMed 12112661 (cited by Labcorp Genetics (formerly Invitae), Labcorp); PubMed 23994568 (cited by Labcorp Genetics (formerly Invitae), Labcorp and GeneReviews); PubMed 16140720 (cited by Labcorp Genetics (formerly Invitae), Labcorp); PubMed 28933809 (cited by GeneReviews).